The following is an entry in ClinVar:

NM_014889.4(PITRM1):c.2901C>T (p.Val967=)

Gene: PITRM1 (pitrilysin metallopeptidase 1; minus strand). Cytogenetic location: 10p15.2.
Variant type: single nucleotide variant.
Coding change: c.2901C>T on transcript NM_014889.4 (MANE Select); coding-DNA position 2901, C replaced by T.
Protein change: p.Val967=; no amino-acid change (valine 967 retained).
Molecular consequence: synonymous variant. On other transcripts: non-coding transcript variant (4).
Genome position (GRCh38, 1-based): chr10:3,138,920, G>A on the plus strand (C>T on the coding strand, the complement: PITRM1 is on the minus strand). VCF-style: chr10-3138920-G-A. GRCh37 (hg19) VCF-style: chr10-3181112-G-A.
Other names: c.2904C>T, p.Val968= (NM_001242307.2); c.2607C>T, p.Val869= (NM_001242309.1); c.2703C>T, p.Val901= (NM_001347725.2); c.2088C>T, p.Val696= (NM_001347726.2); c.2286C>T, p.Val762= (NM_001347727.2); c.1596C>T, p.Val532= (NM_001347728.2); c.2877C>T, p.Val959= (NM_001347729.1); c.2679C>T, p.Val893= (NM_001347730.1).
Identifiers: ClinVar variation 2709166 (VCV002709166.26), dbSNP rs192814210, ClinGen allele CA5387171.

ClinVar aggregate classification (germline): Likely benign. Review status: criteria provided, multiple submitters, no conflicts (2 of 4 stars). 3 submissions from 3 submitters: Likely benign (3). Last evaluated 2026-01-01.

Allele frequency attached by ClinVar (database versions not stated): gnomAD 0.00029; TOPMed 0.00032; 1000 Genomes Project 0.00040; 1000 Genomes Project 30x 0.00047; ESP Exome Variant Server 0.00056; gnomAD exomes 0.00056.
gnomAD v4.1: 850 of 1,613,878 alleles (0.053%); highest among the groups gnomAD compares: Non-Finnish European, 0.064%; no homozygotes.

Submissions (3):

CeGaT Center for Human Genetics Tuebingen
Classification: Likely benign. Last evaluated: 2026-01-01. Review status: criteria provided, single submitter. Criteria: CeGaT Center For Human Genetics Tuebingen Variant Classification Criteria Version 2. Collection method: clinical testing. Allele origin: germline. Affected: yes. Observed: 5 variant alleles.
Comment: PITRM1: BP4, BP7

Labcorp Genetics (formerly Invitae), Labcorp
Classification: Likely benign. Last evaluated: 2025-10-15. Review status: criteria provided, single submitter. Criteria: Invitae Variant Classification Sherloc (09022015). Collection method: clinical testing. Allele origin: germline.

Blueprint Genetics
Classification: Likely benign. Last evaluated: 2024-10-09. Review status: criteria provided, single submitter. Criteria: ACMG Guidelines, 2015. Collection method: clinical testing. Allele origin: germline.